The following is an entry in ClinVar:

NM_001195553.2(DCX):c.-22-345_326del

Gene: DCX (doublecortin; minus strand). Cytogenetic location: Xq23.
Variant type: Deletion.
Coding change: c.-22-345_326del on transcript NM_001195553.2 (MANE Select); 345 bases into the intron before 22 bases upstream of the start codon through coding-DNA position 326, 693 bases deleted.
Molecular consequence: splice acceptor variant, initiator codon variant. On other transcripts: splice donor variant (1), inframe deletion (1).
Genome position (GRCh38, 1-based): chrX:111,410,073-111,410,765, 693 bases deleted. GRCh37 (hg19): chrX:110,653,302-110,653,994.
Other names: c.209_568del360, p.His72_Ser191del (NM_000555.3); c.-22-345_326del (NM_001369373.1, NM_178153.3, NM_001369372.1 and 6 more transcripts).
Identifiers: ClinVar variation 2530348 (VCV002530348.3), ClinGen allele CA2580612296.

ClinVar aggregate classification (germline): Pathogenic (1 of 4 stars; one submission).

Conditions:
Inborn genetic diseases. Identifiers: MedGen C0950123, MeSH D030342.

Submission:

Ambry Genetics
Classification: Pathogenic for Inborn genetic diseases. Last evaluated: 2023-04-18. Review status: criteria provided, single submitter. Criteria: Ambry Variant Classification Scheme 2023. Collection method: clinical testing. Allele origin: germline.
Comment: The c.-22-345_326del693 gross deletion includes at least a portion of the 5&rsquo; untranslated region (UTR) through at least a portion of exon 2 (coding exon 1) of the DCX gene. This deletion includes the initiation codon. Sequence variations that modify the initiation codon are expected to result in either loss of translation initiation, N-terminal truncation, or cause a shift in the mRNA reading frame. This variant was not reported in population-based cohorts in the Genome Aggregation Database (gnomAD). Based on the available evidence, this alteration is classified as pathogenic.